The following is an entry in ClinVar:

ClinVar aggregate classification (germline): Uncertain significance (1 of 4 stars; one submission).

Allele frequency attached by ClinVar (database versions not stated): gnomAD exomes below 0.00001.
gnomAD v4.1: 4 of 1,571,822 alleles (0.00025%); highest among the groups gnomAD compares: South Asian, 0.0012%; no homozygotes.

Submission:

Labcorp Genetics (formerly Invitae), Labcorp
Classification: Uncertain significance. Last evaluated: 2021-11-18. Review status: criteria provided, single submitter. Criteria: Invitae Variant Classification Sherloc (09022015). Collection method: clinical testing. Allele origin: germline.
Comment: In summary, the available evidence is currently insufficient to determine the role of this variant in disease. Therefore, it has been classified as a Variant of Uncertain Significance. Algorithms developed to predict the effect of missense changes on protein structure and function output the following: SIFT: "Not Available"; PolyPhen-2: "Benign"; Align-GVGD: "Not Available". The serine amino acid residue is found in multiple mammalian species, which suggests that this missense change does not adversely affect protein function. This variant has not been reported in the literature in individuals affected with FBN3-related conditions. The frequency data for this variant in the population databases is considered unreliable, as metrics indicate poor data quality at this position in the gnomAD database. This sequence change replaces proline, which is neutral and non-polar, with serine, which is neutral and polar, at codon 2299 of the FBN3 protein (p.Pro2299Ser).

NM_032447.5(FBN3):c.6895C>T (p.Pro2299Ser)

Gene: FBN3 (fibrillin 3; minus strand). Cytogenetic location: 19p13.2.
Variant type: single nucleotide variant.
Coding change: c.6895C>T on transcript NM_032447.5 (MANE Select); coding-DNA position 6895, C replaced by T.
Protein change: p.Pro2299Ser; replaces proline 2299 with serine.
Molecular consequence: missense variant.
Genome position (GRCh38, 1-based): chr19:8,085,555, G>A on the plus strand (C>T on the coding strand, the complement: FBN3 is on the minus strand). VCF-style: chr19-8085555-G-A. GRCh37 (hg19) VCF-style: chr19-8150439-G-A.
Other names: c.6895C>T, p.Pro2299Ser (NM_001321431.2); short protein forms P2299S.
Identifiers: ClinVar variation 1437559 (VCV001437559.6), dbSNP rs757456764, ClinGen allele CA9151057.